The following is an entry in ClinVar:

ClinVar aggregate classification (germline): Uncertain significance (1 of 4 stars; one submission).

Conditions:
Hereditary cancer-predisposing syndrome. Also called: Neoplastic Syndromes, Hereditary; Tumor predisposition; Hereditary neoplastic syndrome; Hereditary Cancer Syndrome. Identifiers: Orphanet 140162, MedGen C0027672, MeSH D009386, MONDO:0015356.

Submission:

Ambry Genetics
Classification: Uncertain significance for Hereditary cancer-predisposing syndrome. Last evaluated: 2019-11-25. Review status: criteria provided, single submitter. Criteria: Ambry Variant Classification Scheme 2023. Collection method: clinical testing. Allele origin: germline.
Comment: The p.H1273L variant (also known as c.3818A>T), located in coding exon 26 of the SMARCA4 gene, results from an A to T substitution at nucleotide position 3818. The histidine at codon 1273 is replaced by leucine, an amino acid with similar properties. This amino acid position is highly conserved in available vertebrate species. In addition, the in silico prediction for this alteration is inconclusive. Since supporting evidence is limited at this time, the clinical significance of this alteration remains unclear.

NM_003072.5(SMARCA4):c.3818A>T (p.His1273Leu)

Gene: SMARCA4 (SWI/SNF related BAF chromatin remodeling complex subunit ATPase 4; plus strand). Cytogenetic location: 19p13.2.
Variant type: single nucleotide variant.
Coding change: c.3818A>T on transcript NM_003072.5 (MANE Select); coding-DNA position 3818, A replaced by T.
Protein change: p.His1273Leu; replaces histidine 1273 with leucine.
Molecular consequence: missense variant. On other transcripts: intron variant (5).
Genome position (GRCh38, 1-based): chr19:11,033,810, A>T. VCF-style: chr19-11033810-A-T. GRCh37 (hg19) VCF-style: chr19-11144486-A-T.
Other names: c.3818A>T, p.His1273Leu (NM_001128844.3, NM_001128849.3); c.3774+293A>T (NM_001128847.4, NM_001374457.1, NM_001128845.2 and 2 more transcripts); short protein forms H1273L.
Identifiers: ClinVar variation 824258 (VCV000824258.4), dbSNP rs1600393629, ClinGen allele CA404066588.